The following is an entry in ClinVar:

ClinVar aggregate classification (germline): Pathogenic/Likely pathogenic. Review status: criteria provided, multiple submitters, no conflicts (2 of 4 stars). 7 submissions from 7 submitters: Pathogenic (5); Likely pathogenic (1). 1 of the submissions does not count toward it. Last evaluated 2025-10-18.

Conditions:
Hereditary nonpolyposis colorectal neoplasms. Identifiers: MedGen C0009405, MeSH D003123.
Hereditary cancer-predisposing syndrome. Also called: Neoplastic Syndromes, Hereditary; Hereditary Cancer Syndrome; Hereditary neoplastic syndrome; Tumor predisposition. Identifiers: Orphanet 140162, MedGen C0027672, MeSH D009386, MONDO:0015356.
Lynch syndrome 4 (LYNCH4). Also called: Hereditary non-polyposis colorectal cancer, type 4; Colorectal cancer, hereditary nonpolyposis, type 4. Identifiers: Orphanet 144, MedGen C1838333, MONDO:0013699, OMIM 614337. Disease mechanism: loss of function.
PMS2-related disorder. Also called: PMS2-related condition.

Submissions (7):

Mayo Clinic Laboratories, Mayo Clinic
Classification: Pathogenic. Last evaluated: 2025-10-18. Review status: criteria provided, single submitter. Criteria: ACMG Guidelines, 2015. Collection method: clinical testing. Allele origin: germline. Observed: 1 variant allele.
Comment: PM2_supporting, PM3_supporting, PVS1

Ambry Genetics
Classification: Pathogenic for Hereditary cancer-predisposing syndrome. Last evaluated: 2025-04-28. Review status: criteria provided, single submitter. Criteria: Ambry Variant Classification Scheme 2023. Collection method: clinical testing. Allele origin: germline.
Comment: The c.1859_1860insAT pathogenic mutation, located in coding exon 11 of the PMS2 gene, results from an insertion of two nucleotides at position 1859, causing a translational frameshift with a predicted alternate stop codon (p.F620Lfs*4). This variant is considered to be rare based on population cohorts in the Genome Aggregation Database (gnomAD). This alteration is expected to result in loss of function by premature protein truncation or nonsense-mediated mRNA decay. As such, this alteration is interpreted as a disease-causing mutation.

Quest Diagnostics Nichols Institute San Juan Capistrano
Classification: Pathogenic. Last evaluated: 2024-06-20. Review status: criteria provided, single submitter. Criteria: Quest Diagnostics criteria. Collection method: clinical testing. Allele origin: unknown.
Comment: The PMS2 c.1859_1860insAT (p.Phe620Leufs*4) variant alters the translational reading frame of the PMS2 mRNA and causes the premature termination of PMS2 protein synthesis. This variant has been reported in the published literature in an individual affected with testicular germ cell tumor (PMID: 30676620 (2019)). The frequency of this variant in the general population, 0.000004 (1/251448 chromosomes (Genome Aggregation Database)), is consistent with pathogenicity. Based on the available information, this variant is classified as pathogenic.

Labcorp Genetics (formerly Invitae), Labcorp
Classification: Pathogenic for Hereditary nonpolyposis colorectal neoplasms. Last evaluated: 2023-11-17. Review status: criteria provided, single submitter. Criteria: Invitae Variant Classification Sherloc (09022015). Collection method: clinical testing. Allele origin: germline.
Comment: This sequence change creates a premature translational stop signal (p.Phe620Leufs*4) in the PMS2 gene. It is expected to result in an absent or disrupted protein product. Loss-of-function variants in PMS2 are known to be pathogenic (PMID: 21376568, 24362816). This variant is present in population databases (rs756358866, gnomAD 0.0009%). This premature translational stop signal has been observed in individual(s) with testicular germ cell tumor (PMID: 30676620). ClinVar contains an entry for this variant (Variation ID: 1458544). For these reasons, this variant has been classified as Pathogenic.

Baylor Genetics
Classification: Likely pathogenic for Lynch syndrome 4. Last evaluated: 2023-10-16. Review status: criteria provided, single submitter. Criteria: ACMG Guidelines, 2015. Collection method: clinical testing. Allele origin: unknown.

Myriad Genetics, Inc.
Classification: Pathogenic for Lynch syndrome 4. Last evaluated: 2023-09-21. Review status: criteria provided, single submitter. Criteria: Myriad Autosomal Dominant, Autosomal Recessive and X-Linked Classification Criteria (2023). Collection method: clinical testing. Allele origin: unknown.
Comment: This variant is considered pathogenic. This variant creates a frameshift predicted to result in premature protein truncation.

PreventionGenetics, part of Exact Sciences
Classification: Pathogenic for PMS2-related condition. Last evaluated: 2024-05-28. Review status: no assertion criteria provided. Collection method: clinical testing. Allele origin: germline. Not counted in ClinVar's aggregate classification.
Comment: The PMS2 c.1859_1860insAT variant is predicted to result in a frameshift and premature protein termination (p.Phe620Leufs*4). This variant has been reported compound heterozygous with a second PMS2 variant in an individual with autosomal recessive constitutional mismatch-repair deficiency syndrome (Supplemental Content, Ercan et al. 2024. PubMed ID: 38552658). It has also been identified in an individual with testicular germ cell tumor (eTable 4, AlDubayan et al. 2019. PubMed ID: 30676620). This variant is reported in 0.00088% of alleles in individuals of European (non-Finnish) descent in gnomAD and has been interpreted in ClinVar as pathogenic or likely pathogenic. Frameshift variants in PMS2 are expected to be pathogenic. This variant is interpreted as pathogenic.

Literature cited by the submitters: PubMed 30676620 (cited by 3 submitters); PubMed 38552658 (cited by Mayo Clinic Laboratories, Mayo Clinic); PubMed 21376568 (cited by Labcorp Genetics (formerly Invitae), Labcorp); PubMed 24362816 (cited by Labcorp Genetics (formerly Invitae), Labcorp).

NM_000535.7(PMS2):c.1859_1860insAT (p.Phe620fs)

Gene: PMS2 (PMS1 homolog 2, mismatch repair system component; minus strand). Cytogenetic location: 7p22.1.
Variant type: Insertion.
Coding change: c.1859_1860insAT on transcript NM_000535.7 (MANE Select); coding-DNA positions 1859 to 1860, AT inserted.
Protein change: p.Phe620fs; shifts the reading frame from phenylalanine 620.
Molecular consequence: frameshift variant. On other transcripts: non-coding transcript variant (1).
Genome position: GRCh38 VCF-style: chr7-5986905-A-AAT. GRCh37 (hg19) VCF-style: chr7-6026536-A-AAT.
Other names: p.Phe620Leufs*4; c.1859_1860insAT (NM_000535.6); c.1454_1455insAT, p.Phe485fs (NM_001322003.2, NM_001322004.2, NM_001322005.2 and 1 more transcripts); c.1703_1704insAT, p.Phe568fs (NM_001322006.2); c.1541_1542insAT, p.Phe514fs (NM_001322007.2, NM_001322008.2); c.1298_1299insAT, p.Phe433fs (NM_001322010.2); c.926_927insAT, p.Phe309fs (NM_001322011.2, NM_001322012.2); c.1286_1287insAT, p.Phe429fs (NM_001322013.2); and 2 more; short protein forms F514fs, F620fs, F485fs, F517fs, F309fs, F429fs, F433fs, F568fs.
Identifiers: ClinVar variation 1458544 (VCV001458544.17), dbSNP rs756358866, ClinGen allele CA153227529.